The following is an entry in ClinVar:

ClinVar aggregate classification (germline): Uncertain significance. Review status: criteria provided, multiple submitters, no conflicts (2 of 4 stars). 2 submissions from 2 submitters: Uncertain significance (2). Last evaluated 2024-01-27.

Allele frequency attached by ClinVar (database versions not stated): TOPMed 0.00003; gnomAD 0.00005.
gnomAD v4.1: 16 of 1,472,642 alleles (0.0011%); highest among the groups gnomAD compares: Non-Finnish European, 0.0014%; no homozygotes.

Submissions (2):

Ambry Genetics
Classification: Uncertain significance. Last evaluated: 2024-01-27. Review status: criteria provided, single submitter. Criteria: Ambry Variant Classification Scheme 2023. Collection method: clinical testing. Allele origin: germline.
Comment: The p.G27V variant (also known as c.80G>T), located in coding exon 1 of the RASA2 gene, results from a G to T substitution at nucleotide position 80. The glycine at codon 27 is replaced by valine, an amino acid with dissimilar properties. This amino acid position is conserved. In addition, this alteration is predicted to be tolerated by in silico analysis. Based on the available evidence, the clinical significance of this alteration remains unclear.

Labcorp Genetics (formerly Invitae), Labcorp
Classification: Uncertain significance. Last evaluated: 2023-12-19. Review status: criteria provided, single submitter. Criteria: Invitae Variant Classification Sherloc (09022015). Collection method: clinical testing. Allele origin: germline.
Comment: This sequence change replaces glycine, which is neutral and non-polar, with valine, which is neutral and non-polar, at codon 27 of the RASA2 protein (p.Gly27Val). The frequency data for this variant in the population databases is considered unreliable, as metrics indicate poor data quality at this position in the gnomAD database. This variant has not been reported in the literature in individuals affected with RASA2-related conditions. An algorithm developed to predict the effect of missense changes on protein structure and function (PolyPhen-2) suggests that this variant is likely to be tolerated. In summary, the available evidence is currently insufficient to determine the role of this variant in disease. Therefore, it has been classified as a Variant of Uncertain Significance.

NM_006506.5(RASA2):c.80G>T (p.Gly27Val)

Genes: RASA2 (RAS p21 protein activator 2; plus strand), LOC129937686 (ATAC-STARR-seq lymphoblastoid silent region 14777; plus strand). Cytogenetic location: 3q23.
Variant type: single nucleotide variant.
Coding change: c.80G>T on transcript NM_006506.5 (MANE Select); coding-DNA position 80, G replaced by T.
Protein change: p.Gly27Val; replaces glycine 27 with valine.
Molecular consequence: missense variant.
Genome position (GRCh38, 1-based): chr3:141,487,163, G>T. VCF-style: chr3-141487163-G-T. GRCh37 (hg19) VCF-style: chr3-141206005-G-T.
Other names: c.80G>T (NM_006506.2); c.80G>T, p.Gly27Val (NM_001303245.3, NM_001303246.3); short protein forms G27V.
Identifiers: ClinVar variation 2728112 (VCV002728112.4), dbSNP rs892940460, ClinGen allele CA84634124.
Genomic context (GRCh38, chr3:141,487,163, plus strand): 5'-CTGCTGCGGCGGCTTCTTCCGAGGCGCCAGCGGCGAGTGCGACTGCAGAGCCCGAGGCCG[G>T]GGACCAGGACAGTCGCGAGGTTCGAGTGTTGCAGAGCCTGCGGGGCAAGATCTGTAAGCG-3'
Protein context (NP_006497.2, residues 17-37): AASATAEPEA[Gly27Val]DQDSREVRVL